The following is an entry in ClinVar:

NM_025207.5(FLAD1):c.232C>T (p.Leu78=)

Gene: FLAD1 (flavin adenine dinucleotide synthetase 1; plus strand). Cytogenetic location: 1q21.3.
Variant type: single nucleotide variant.
Coding change: c.232C>T on transcript NM_025207.5 (MANE Select); coding-DNA position 232, C replaced by T.
Protein change: p.Leu78=; no amino-acid change (leucine 78 retained).
Molecular consequence: synonymous variant. On other transcripts: 5 prime UTR variant (3).
Genome position (GRCh38, 1-based): chr1:154,983,926, C>T. VCF-style: chr1-154983926-C-T. GRCh37 (hg19) VCF-style: chr1-154956402-C-T.
Other names: p.Leu78=; c.232C>T (NM_025207.4); c.-60C>T (NM_001184891.2, NM_201398.3); c.-705C>T (NM_001184892.2).
Identifiers: ClinVar variation 2907861 (VCV002907861.5), dbSNP rs200341516, ClinGen allele CA1134258.

ClinVar aggregate classification (germline): Conflicting classifications of pathogenicity. Review status: criteria provided, conflicting classifications (1 of 4 stars). 3 submissions from 3 submitters: Uncertain significance (1); Likely benign (2). Last evaluated 2026-02-25.

Allele frequency attached by ClinVar (database versions not stated): TOPMed 0.00006; gnomAD exomes 0.00002; gnomAD 0.00002; ExAC 0.00003; 1000 Genomes Project 0.00020; 1000 Genomes Project 30x 0.00031.

Submissions (3):

GeneDx
Classification: Uncertain significance. Last evaluated: 2026-02-25. Review status: criteria provided, single submitter. Criteria: GeneDx Variant Classification Process June 2021. Collection method: clinical testing. Allele origin: germline.
Comment: In silico analysis suggests that this variant does not alter splicing; Has not been previously published as pathogenic or benign to our knowledge

Labcorp Genetics (formerly Invitae), Labcorp
Classification: Likely benign. Last evaluated: 2025-08-21. Review status: criteria provided, single submitter. Criteria: Invitae Variant Classification Sherloc (09022015). Collection method: clinical testing. Allele origin: germline.

Mayo Clinic Laboratories, Mayo Clinic
Classification: Likely benign. Last evaluated: 2025-02-10. Review status: criteria provided, single submitter. Criteria: ACMG Guidelines, 2015. Collection method: clinical testing. Allele origin: germline. Observed: 1 variant allele.
Comment: BP4, BP7